The following is an entry in ClinVar:

NC_000017.11:g.(?_61857048)_(61861539_?)del

Gene: BRIP1 (BRCA1 interacting DNA helicase 1; minus strand). Cytogenetic location: 17q23.2.
Variant type: Deletion.
Identifiers: ClinVar variation 831674 (VCV000831674.3).

ClinVar aggregate classification (germline): Pathogenic (1 of 4 stars; one submission).

Conditions:
Fanconi anemia complementation group J. Also called: BRIP1-Related Fanconi Anemia. Identifiers: Orphanet 84, MedGen C1836860, MONDO:0012187, OMIM 609054.
Familial cancer of breast. Also called: hereditary breast carcinoma; BREAST CANCER, FAMILIAL; Hereditary breast cancer. Identifiers: Orphanet 227535, MedGen C0346153, MONDO:0016419, OMIM 114480. Disease mechanism: loss of function.

Submission:

Labcorp Genetics (formerly Invitae), Labcorp
Classification: Pathogenic for Familial cancer of breast; Fanconi anemia complementation group J. Last evaluated: 2019-09-20. Review status: criteria provided, single submitter. Criteria: Invitae Variant Classification Sherloc (09022015). Collection method: clinical testing. Allele origin: germline.
Comment: This variant is a gross deletion of the genomic region encompassing exons 2-4 of the BRIP1 gene, which includes the initiator codon. The 5' end of this event is unknown as it extends beyond the assayed region for this gene and therefore may encompass additional genes. The 3' boundary is likely confined to intron 4 of the BRIP1 gene. This is expected to result in an absent or disrupted protein product. Deletions of BRIP11 exons 2-4 have not been reported in the literature in individuals with BRIP1-related disease. Loss-of-function variants in BRIP1 are known to be pathogenic (PMID: 16116423, 17033622, 21964575). For these reasons, this variant has been classified as Pathogenic.

Literature cited by the submitters: PubMed 16116423; PubMed 17033622; PubMed 21964575.